The following is an entry in ClinVar:

NM_004260.4(RECQL4):c.1196C>T (p.Thr399Ile)

Gene: RECQL4 (RecQ like helicase 4; minus strand). Cytogenetic location: 8q24.3.
Variant type: single nucleotide variant.
Coding change: c.1196C>T on transcript NM_004260.4 (MANE Select); coding-DNA position 1196, C replaced by T.
Protein change: p.Thr399Ile; replaces threonine 399 with isoleucine.
Molecular consequence: missense variant.
Genome position (GRCh38, 1-based): chr8:144,515,826, G>A on the plus strand (C>T on the coding strand, the complement: RECQL4 is on the minus strand). VCF-style: chr8-144515826-G-A. GRCh37 (hg19) VCF-style: chr8-145741210-G-A.
Other names: c.1196C>T (NM_004260.3); short protein forms T399I.
Identifiers: ClinVar variation 1508657 (VCV001508657.8), dbSNP rs1828084287, ClinGen allele CA372687571.

ClinVar aggregate classification (germline): Conflicting classifications of pathogenicity. Review status: criteria provided, conflicting classifications (1 of 4 stars). 2 submissions from 2 submitters: Uncertain significance (1); Likely benign (1). Last evaluated 2025-11-03.

Conditions:
Baller-Gerold syndrome (BGS). Also called: CRANIOSYNOSTOSIS WITH RADIAL DEFECTS. Identifiers: Orphanet 1225, MedGen C0265308, MONDO:0009039, OMIM 218600.
Inborn genetic diseases. Identifiers: MedGen C0950123, MeSH D030342.

Allele frequency attached by ClinVar (database versions not stated): TOPMed 0.00002.

Submissions (2):

Ambry Genetics
Classification: Likely benign for Inborn genetic diseases. Last evaluated: 2025-11-03. Review status: criteria provided, single submitter. Criteria: Ambry Variant Classification Scheme 2023. Collection method: clinical testing. Allele origin: germline.

Labcorp Genetics (formerly Invitae), Labcorp
Classification: Uncertain significance for Baller-Gerold syndrome. Last evaluated: 2023-08-21. Review status: criteria provided, single submitter. Criteria: Invitae Variant Classification Sherloc (09022015). Collection method: clinical testing. Allele origin: germline.
Comment: This sequence change replaces threonine, which is neutral and polar, with isoleucine, which is neutral and non-polar, at codon 399 of the RECQL4 protein (p.Thr399Ile). This variant is not present in population databases (gnomAD no frequency). This variant has not been reported in the literature in individuals affected with RECQL4-related conditions. ClinVar contains an entry for this variant (Variation ID: 1508657). Advanced modeling of protein sequence and biophysical properties (such as structural, functional, and spatial information, amino acid conservation, physicochemical variation, residue mobility, and thermodynamic stability) performed at Invitae indicates that this missense variant is not expected to disrupt RECQL4 protein function. In summary, the available evidence is currently insufficient to determine the role of this variant in disease. Therefore, it has been classified as a Variant of Uncertain Significance.